The following is an entry in ClinVar:

ClinVar aggregate classification (germline): Uncertain significance (1 of 4 stars; one submission).

Conditions:
Myofibrillar myopathy 5. Also called: FILAMINOPATHY, AUTOSOMAL DOMINANT; Filaminopathy (type). Identifiers: Orphanet 171445, MedGen C1836050, MONDO:0012289, OMIM 609524.
Hypertrophic cardiomyopathy 26. Also called: Cardiomyopathy, familial hypertrophic, 26. Identifiers: Orphanet 75249, MedGen C4310749, MONDO:0014883, OMIM 617047.
Dilated Cardiomyopathy, Dominant.
Distal myopathy with posterior leg and anterior hand involvement. Also called: WILLIAMS DISTAL MYOPATHY. Identifiers: Orphanet 63273, MedGen C3279722, MONDO:0013550, OMIM 614065.

Submission:

Labcorp Genetics (formerly Invitae), Labcorp
Classification: Uncertain significance for Distal myopathy with posterior leg and anterior hand involvement; Myofibrillar myopathy 5; Hypertrophic cardiomyopathy 26. Last evaluated: 2024-01-26. Review status: criteria provided, single submitter. Criteria: Invitae Variant Classification Sherloc (09022015). Collection method: clinical testing. Allele origin: germline.
Comment: This sequence change replaces glutamic acid, which is acidic and polar, with glycine, which is neutral and non-polar, at codon 913 of the FLNC protein (p.Glu913Gly). This variant is not present in population databases (gnomAD no frequency). This variant has not been reported in the literature in individuals affected with FLNC-related conditions. Advanced modeling of protein sequence and biophysical properties (such as structural, functional, and spatial information, amino acid conservation, physicochemical variation, residue mobility, and thermodynamic stability) has been performed at Invitae for this missense variant, however the output from this modeling did not meet the statistical confidence thresholds required to predict the impact of this variant on FLNC protein function. In summary, the available evidence is currently insufficient to determine the role of this variant in disease. Therefore, it has been classified as a Variant of Uncertain Significance.

NM_001458.5(FLNC):c.2738A>G (p.Glu913Gly)

Gene: FLNC (filamin C; plus strand). Cytogenetic location: 7q32.1.
Variant type: single nucleotide variant.
Coding change: c.2738A>G on transcript NM_001458.5 (MANE Select); coding-DNA position 2738, A replaced by G.
Protein change: p.Glu913Gly; replaces glutamic acid 913 with glycine.
Molecular consequence: missense variant.
Genome position (GRCh38, 1-based): chr7:128,843,504, A>G. VCF-style: chr7-128843504-A-G. GRCh37 (hg19) VCF-style: chr7-128483558-A-G.
Other names: c.2738A>G, p.Glu913Gly (NM_001127487.2); short protein forms E913G.
Identifiers: ClinVar variation 2922741 (VCV002922741.2), dbSNP rs2536633858, ClinGen allele CA369193092.